The following is an entry in ClinVar:

ClinVar aggregate classification (germline): Benign/Likely benign. Review status: criteria provided, multiple submitters, no conflicts (2 of 4 stars). 5 submissions from 5 submitters: Benign (2); Likely benign (2). 1 of the submissions does not count toward it. Last evaluated 2026-01-19.

Conditions:
ATP2A1-related disorder. Also called: ATP2A1-related condition.
Brody myopathy. Also called: BRODY DISEASE. Identifiers: Orphanet 53347, MedGen C1832918, MONDO:0010977, OMIM 601003.

Allele frequency attached by ClinVar (database versions not stated): gnomAD 0.00011 and 0.00012; 1000 Genomes Project 0.00020; 1000 Genomes Project 30x 0.00031; TOPMed 0.00050; ExAC 0.00099; gnomAD exomes 0.00122.
gnomAD v4.1: 368 of 1,614,120 alleles (0.023%); highest among the groups gnomAD compares: Admixed American, 0.57%; 1 homozygote.

Submissions (5):

Labcorp Genetics (formerly Invitae), Labcorp
Classification: Benign for Brody myopathy. Last evaluated: 2026-01-19. Review status: criteria provided, single submitter. Criteria: Invitae Variant Classification Sherloc (09022015). Collection method: clinical testing. Allele origin: germline.

GeneDx
Classification: Likely benign. Last evaluated: 2020-09-30. Review status: criteria provided, single submitter. Criteria: GeneDx Variant Classification Process June 2021. Collection method: clinical testing. Allele origin: germline. Affected: yes.

Athena Diagnostics
Classification: Benign. Last evaluated: 2019-10-24. Review status: criteria provided, single submitter. Criteria: Athena Diagnostics Criteria. Collection method: clinical testing. Allele origin: unknown.

Illumina Laboratory Services, Illumina
Classification: Likely benign for Brody myopathy. Last evaluated: 2018-01-12. Review status: criteria provided, single submitter. Criteria: ICSL Variant Classification Criteria 13 December 2019. Collection method: clinical testing. Allele origin: germline.
Comment: This variant was observed in the ICSL laboratory as part of a predisposition screen in an ostensibly healthy population. It had not been previously curated by ICSL or reported in the Human Gene Mutation Database (HGMD: prior to June 1st, 2018), and was therefore a candidate for classification through an automated scoring system. Utilizing variant allele frequency, disease prevalence and penetrance estimates, and inheritance mode, an automated score was calculated to assess if this variant is too frequent to cause the disease. Based on the score and internal cut-off values, a variant classified as likely benign is not then subjected to further curation. The score for this variant resulted in a classification of likely benign for this disease.

PreventionGenetics, part of Exact Sciences
Classification: Benign for ATP2A1-related condition. Last evaluated: 2019-09-05. Review status: no assertion criteria provided. Collection method: clinical testing. Allele origin: germline. Not counted in ClinVar's aggregate classification.
Comment: This variant is classified as benign based on ACMG/AMP sequence variant interpretation guidelines (Richards et al. 2015 PMID: 25741868, with internal and published modifications).

NM_004320.6(ATP2A1):c.870C>T (p.Arg290=)

Gene: ATP2A1 (ATPase sarcoplasmic/endoplasmic reticulum Ca2+ transporting 1; plus strand). Cytogenetic location: 16p11.2.
Variant type: single nucleotide variant.
Coding change: c.870C>T on transcript NM_004320.6 (MANE Select); coding-DNA position 870, C replaced by T.
Protein change: p.Arg290=; no amino-acid change (arginine 290 retained).
Molecular consequence: synonymous variant.
Genome position (GRCh38, 1-based): chr16:28,887,664, C>T. VCF-style: chr16-28887664-C-T. GRCh37 (hg19) VCF-style: chr16-28898985-C-T.
Other names: c.495C>T, p.Arg165= (NM_001286075.2); c.870C>T, p.Arg290= (NM_173201.5).
Identifiers: ClinVar variation 387418 (VCV000387418.20), dbSNP rs201786788, ClinGen allele CA7986779.